The following is an entry in ClinVar:

NM_022114.4(PRDM16):c.3697-107T>C

Gene: PRDM16 (PR/SET domain 16; plus strand). Cytogenetic location: 1p36.32.
Variant type: single nucleotide variant.
Coding change: c.3697-107T>C on transcript NM_022114.4 (MANE Select); 107 bases into the intron before coding-DNA position 3697, T replaced by C.
Molecular consequence: intron variant.
Genome position (GRCh38, 1-based): chr1:3,433,570, T>C. VCF-style: chr1-3433570-T-C. GRCh37 (hg19) VCF-style: chr1-3350134-T-C.
Other names: c.3697-164T>C (NM_199454.3).
Identifiers: ClinVar variation 674708 (VCV000674708.2), dbSNP rs10752734, ClinGen allele CA16992859.

ClinVar aggregate classification (germline): Benign. Review status: criteria provided, multiple submitters, no conflicts (2 of 4 stars). 2 submissions from 2 submitters: Benign (2). Last evaluated 2018-06-14.

Allele frequency attached by ClinVar (database versions not stated): 1000 Genomes Project 0.46645; gnomAD exomes 0.50640; gnomAD 0.53578 and 0.53912.
gnomAD v4.1: 148,151 of 288,378 alleles (51%); highest among the groups gnomAD compares: African/African-American, 61%; 42,037 homozygotes.

Submissions (2):

GeneDx
Classification: Benign. Last evaluated: 2018-06-14. Review status: criteria provided, single submitter. Criteria: GeneDx Variant Classification (06012015). Collection method: clinical testing. Allele origin: germline. Affected: yes.
Comment: This variant is considered likely benign or benign based on one or more of the following criteria: it is a conservative change, it occurs at a poorly conserved position in the protein, it is predicted to be benign by multiple in silico algorithms, and/or has population frequency not consistent with disease.

Breakthrough Genomics
Classification: Benign. Review status: criteria provided, single submitter. Criteria: ACMG Guidelines, 2015. Collection method: not provided. Allele origin: germline. Inheritance: Autosomal dominant inheritance. Affected: yes.